The following is an entry in ClinVar:

NM_004371.4(COPA):c.926-5_926-2dup

Gene: COPA (coat protein complex I subunit alpha; minus strand). Cytogenetic location: 1q23.2.
Variant type: Duplication.
Coding change: c.926-5_926-2dup on transcript NM_004371.4 (MANE Select); 5 bases into the intron before coding-DNA position 926 through the canonical splice acceptor site of the intron before coding-DNA position 926, 4 bases duplicated (CCCA; older notation c.926-5_926-2dupCCCA).
Molecular consequence: splice acceptor variant.
Genome position (GRCh38, 1-based): chr1:160,312,020-160,312,023, TGGG duplicated on the plus strand (CCCA on the coding strand, the reverse complement: COPA is on the minus strand). VCF-style (leftmost placement, unchanged base first): chr1-160312019-C-CTGGG. GRCh37 (hg19) VCF-style: chr1-160281809-C-CTGGG.
Other names: c.926-5_926-2dup (NM_001098398.2).
Identifiers: ClinVar variation 1929546 (VCV001929546.5), dbSNP rs780637739, ClinGen allele CA1198239.

ClinVar aggregate classification (germline): Uncertain significance (1 of 4 stars; one submission).

Conditions:
Autoimmune interstitial lung disease-arthritis syndrome. Also called: Autoinflammation and autoimmunity, systemic, with immune dysregulation. Identifiers: Orphanet 444092, MedGen C5975714, MONDO:0014629.

Allele frequency attached by ClinVar (database versions not stated): ExAC 0.00001; gnomAD exomes 0.00001.

Submission:

Labcorp Genetics (formerly Invitae), Labcorp
Classification: Uncertain significance for Autoimmune interstitial lung disease-arthritis syndrome. Last evaluated: 2024-12-10. Review status: criteria provided, single submitter. Criteria: Invitae Variant Classification Sherloc (09022015). Collection method: clinical testing. Allele origin: germline.
Comment: This sequence change falls in intron 10 of the COPA gene. It does not directly change the encoded amino acid sequence of the COPA protein. This variant is present in population databases (rs780637739, gnomAD 0.007%). This variant has not been reported in the literature in individuals affected with COPA-related conditions. ClinVar contains an entry for this variant (Variation ID: 1929546). Experimental studies and prediction algorithms are not available or were not evaluated, and the effect of this variant on mRNA splicing is currently unknown. In summary, the available evidence is currently insufficient to determine the role of this variant in disease. Therefore, it has been classified as a Variant of Uncertain Significance.